The following is an entry in ClinVar:

NC_000012.11:g.(?_133233712)_(133236105_?)del

Gene: POLE (DNA polymerase epsilon, catalytic subunit; minus strand). Cytogenetic location: 12q24.33.
Variant type: Deletion.
Identifiers: ClinVar variation 1444148 (VCV001444148.6).

ClinVar aggregate classification (germline): Uncertain significance (1 of 4 stars; one submission).

Submission:

Labcorp Genetics (formerly Invitae), Labcorp
Classification: Uncertain significance. Last evaluated: 2020-12-17. Review status: criteria provided, single submitter. Criteria: Invitae Variant Classification Sherloc (09022015). Collection method: clinical testing. Allele origin: germline.
Comment: In summary, the available evidence is currently insufficient to determine the role of this variant in disease. Therefore, it has been classified as a Variant of Uncertain Significance. Experimental studies and prediction algorithms are not available or were not evaluated, and the functional significance of this variant is currently unknown. This variant has not been reported in the literature in individuals with POLE-related conditions. This variant is a gross deletion of the genomic region encompassing exon(s) 26-29 of the POLE gene. This variant would be expected to be in-frame, preserving the integrity of the reading frame.